The following is an entry in ClinVar:

ClinVar aggregate classification (germline): Likely benign (1 of 4 stars; one submission).

Allele frequency attached by ClinVar (database versions not stated): 1000 Genomes Project 0.00180; 1000 Genomes Project 30x 0.00234; TOPMed 0.00319; gnomAD 0.00350; ExAC 0.00390; ESP Exome Variant Server 0.00437; gnomAD exomes 0.00559.
gnomAD v4.1: 8,611 of 1,613,218 alleles (0.53%); highest among the groups gnomAD compares: Non-Finnish European, 0.65%; 30 homozygotes.

Submission:

CeGaT Center for Human Genetics Tuebingen
Classification: Likely benign. Last evaluated: 2023-02-01. Review status: criteria provided, single submitter. Criteria: CeGaT Center For Human Genetics Tuebingen Variant Classification Criteria Version 2. Collection method: clinical testing. Allele origin: germline. Affected: yes. Observed: 2 variant alleles.
Comment: TNRC18: BP4, BP7, BS2

NM_001080495.3(TNRC18):c.6384C>T (p.Ser2128=)

Gene: TNRC18 (trinucleotide repeat containing 18; minus strand). Cytogenetic location: 7p22.1.
Variant type: single nucleotide variant.
Coding change: c.6384C>T on transcript NM_001080495.3 (MANE Select); coding-DNA position 6384, C replaced by T.
Protein change: p.Ser2128=; no amino-acid change (serine 2128 retained).
Molecular consequence: synonymous variant.
Genome position (GRCh38, 1-based): chr7:5,324,272, G>A on the plus strand (C>T on the coding strand, the complement: TNRC18 is on the minus strand). VCF-style: chr7-5324272-G-A. GRCh37 (hg19) VCF-style: chr7-5363903-G-A.
Identifiers: ClinVar variation 2657275 (VCV002657275.24), dbSNP rs186390578, ClinGen allele CA4144127.